The following is an entry in ClinVar:

NM_006306.4(SMC1A):c.526G>A (p.Val176Met)

Gene: SMC1A (structural maintenance of chromosomes 1A; minus strand). Cytogenetic location: Xp11.22.
Variant type: single nucleotide variant.
Coding change: c.526G>A on transcript NM_006306.4 (MANE Select); coding-DNA position 526, G replaced by A.
Protein change: p.Val176Met; replaces valine 176 with methionine.
Molecular consequence: missense variant.
Genome position (GRCh38, 1-based): chrX:53,413,321, C>T on the plus strand (G>A on the coding strand, the complement: SMC1A is on the minus strand). VCF-style: chrX-53413321-C-T. GRCh37 (hg19) VCF-style: chrX-53440271-C-T.
Other names: c.460G>A, p.Val154Met (NM_001281463.1); short protein forms V176M, V154M.
Identifiers: ClinVar variation 1954852 (VCV001954852.6), dbSNP rs2520963158, ClinGen allele CA413259330.

ClinVar aggregate classification (germline): Uncertain significance. Review status: criteria provided, multiple submitters, no conflicts (2 of 4 stars). 2 submissions from 2 submitters: Uncertain significance (2). Last evaluated 2024-05-31.

Conditions:
Congenital muscular hypertrophy-cerebral syndrome (CDLS2). Also called: SMC1A-Related Cornelia de Lange Syndrome; Cornelia de Lange syndrome 2. Identifiers: Orphanet 199, MedGen C1802395, MONDO:0010370, OMIM 300590.

gnomAD v4.1: 2 of 1,211,856 alleles (0.00017%); highest among the groups gnomAD compares: Non-Finnish European, 0.00011%; no homozygotes.

Submissions (2):

Blueprint Genetics
Classification: Uncertain significance. Last evaluated: 2024-05-31. Review status: criteria provided, single submitter. Criteria: ACMG Guidelines, 2015. Collection method: clinical testing. Allele origin: germline.

Labcorp Genetics (formerly Invitae), Labcorp
Classification: Uncertain significance for Congenital muscular hypertrophy-cerebral syndrome. Last evaluated: 2022-12-05. Review status: criteria provided, single submitter. Criteria: Invitae Variant Classification Sherloc (09022015). Collection method: clinical testing. Allele origin: germline.
Comment: In summary, the available evidence is currently insufficient to determine the role of this variant in disease. Therefore, it has been classified as a Variant of Uncertain Significance. Advanced modeling of protein sequence and biophysical properties (such as structural, functional, and spatial information, amino acid conservation, physicochemical variation, residue mobility, and thermodynamic stability) performed at Invitae indicates that this missense variant is not expected to disrupt SMC1A protein function. This variant has not been reported in the literature in individuals affected with SMC1A-related conditions. This variant is not present in population databases (gnomAD no frequency). This sequence change replaces valine, which is neutral and non-polar, with methionine, which is neutral and non-polar, at codon 176 of the SMC1A protein (p.Val176Met).